The following is an entry in ClinVar:

ClinVar aggregate classification (germline): Uncertain significance. Review status: criteria provided, multiple submitters, no conflicts (2 of 4 stars). 3 submissions from 3 submitters: Uncertain significance (3). Last evaluated 2024-11-19.

Conditions:
PKHD1-related disorder. Also called: PKHD1-related condition.

Submissions (3):

GeneDx
Classification: Uncertain significance. Last evaluated: 2024-11-19. Review status: criteria provided, single submitter. Criteria: GeneDx Variant Classification Process June 2021. Collection method: clinical testing. Allele origin: germline. Affected: yes.
Comment: Not observed at significant frequency in large population cohorts (gnomAD); In silico analysis indicates that this missense variant does not alter protein structure/function; Has not been previously published as pathogenic or benign to our knowledge

PreventionGenetics, part of Exact Sciences
Classification: Uncertain significance for PKHD1-related condition. Last evaluated: 2024-11-15. Review status: criteria provided, single submitter. Criteria: ACMG Guidelines, 2015. Collection method: clinical testing. Allele origin: germline.
Comment: The PKHD1 c.4017G>C variant is predicted to result in the amino acid substitution p.Glu1339Asp. To our knowledge, this variant has not been reported in the literature or in a large population database (gnomAD), indicating this variant is rare. At this time, the clinical significance of this variant is uncertain due to the absence of conclusive functional and genetic evidence.

Eurofins Ntd Llc (ga)
Classification: Uncertain significance. Last evaluated: 2016-02-04. Review status: criteria provided, single submitter. Criteria: EGL Classification Definitions 2015. Collection method: clinical testing. Allele origin: germline. Observed: 1 variant allele, 1 heterozygote.

NM_138694.4(PKHD1):c.4017G>C (p.Glu1339Asp)

Gene: PKHD1 (PKHD1 ciliary IPT domain containing fibrocystin/polyductin; minus strand). Cytogenetic location: 6p12.2.
Variant type: single nucleotide variant.
Coding change: c.4017G>C on transcript NM_138694.4 (MANE Select); coding-DNA position 4017, G replaced by C.
Protein change: p.Glu1339Asp; replaces glutamic acid 1339 with aspartic acid.
Molecular consequence: missense variant.
Genome position (GRCh38, 1-based): chr6:52,025,793, C>G on the plus strand (G>C on the coding strand, the complement: PKHD1 is on the minus strand). VCF-style: chr6-52025793-C-G. GRCh37 (hg19) VCF-style: chr6-51890591-C-G.
Other names: c.4017G>C, p.Glu1339Asp (NM_170724.3); short protein forms E1339D.
Identifiers: ClinVar variation 285781 (VCV000285781.10), dbSNP rs886043210, ClinGen allele CA10605244.
Genomic context (GRCh38, chr6:52,025,793, plus strand): 5'-CAGACTGTGAAGAGGGATGGAGCATCCAGACAGGCTCACGTTGCCCTGGAAGGACTGTGT[C>G]TCAACATCACAGTTCAGGTTCCCCAGAAGGATGACTGAGTTGGAGAGGTTACTTCCTCCC-3'
Protein context (NP_619639.3, residues 1329-1349): ILLGNLNCDV[Glu1339Asp]TQSFQGNVSL